The following is an entry in ClinVar:

NM_000558.5(HBA1):c.47G>T (p.Gly16Val)

Genes: HBA1 (hemoglobin subunit alpha 1; plus strand), LOC106804613 (hemoglobin subunit alpha 1 recombination region; plus strand). Cytogenetic location: 16p13.3.
Variant type: single nucleotide variant.
Coding change: c.47G>T on transcript NM_000558.5 (MANE Select); coding-DNA position 47, G replaced by T.
Protein change: p.Gly16Val; replaces glycine 16 with valine.
Molecular consequence: missense variant.
Genome position (GRCh38, 1-based): chr16:176,763, G>T. VCF-style: chr16-176763-G-T. GRCh37 (hg19) VCF-style: chr16-226762-G-T.
Other names: short protein forms G16V.
Identifiers: ClinVar variation 4884436 (VCV004884436.1).

ClinVar aggregate classification (germline): Uncertain significance (1 of 4 stars; one submission).

Conditions:
alpha Thalassemia. Also called: Alpha thalassemia spectrum. Identifiers: Orphanet 846, MedGen C0002312, MONDO:0011399, OMIM 604131.

Submission:

Child and Adolescent Health Research Laboratory, National Institute for Research on Women's Health, Indian Council of Medical Research
Classification: Uncertain significance for alpha Thalassemia. Last evaluated: 2026-04-08. Review status: criteria provided, single submitter. Criteria: ACMG Guidelines 2015. Collection method: research. Allele origin: germline. Affected: yes.
Comment: The HBA1:c.47G>T variant was identified in the heterozygous state. The variant is absent or extremely rare in population databases (PM2). However, the available evidence is currently insufficient to determine its clinical significance. Therefore, based on the ACMG/AMP guidelines (PM2), this variant is classified as a Variant of Uncertain Significance (VUS).